The following is an entry in ClinVar:

NM_005591.4(MRE11):c.503T>C (p.Leu168Ser)

Gene: MRE11 (MRE11 double strand break repair nuclease; minus strand). Cytogenetic location: 11q21.
Variant type: single nucleotide variant.
Coding change: c.503T>C on transcript NM_005591.4 (MANE Select); coding-DNA position 503, T replaced by C.
Protein change: p.Leu168Ser; replaces leucine 168 with serine.
Molecular consequence: missense variant.
Genome position (GRCh38, 1-based): chr11:94,478,776, A>G on the plus strand (T>C on the coding strand, the complement: MRE11 is on the minus strand). VCF-style: chr11-94478776-A-G. GRCh37 (hg19) VCF-style: chr11-94211942-A-G.
Other names: c.503T>C, p.Leu168Ser (NM_001330347.2, NM_005590.4); short protein forms L168S.
Identifiers: ClinVar variation 3224859 (VCV003224859.1), dbSNP rs2496555342, ClinGen allele CA382377384.

ClinVar aggregate classification (germline): Uncertain significance (1 of 4 stars; one submission).

Conditions:
Hereditary cancer-predisposing syndrome. Also called: Neoplastic Syndromes, Hereditary; Tumor predisposition; Hereditary neoplastic syndrome; Hereditary Cancer Syndrome. Identifiers: Orphanet 140162, MedGen C0027672, MeSH D009386, MONDO:0015356.

Submission:

Ambry Genetics
Classification: Uncertain significance for Hereditary cancer-predisposing syndrome. Last evaluated: 2024-02-01. Review status: criteria provided, single submitter. Criteria: Ambry Variant Classification Scheme 2023. Collection method: clinical testing. Allele origin: germline.
Comment: The p.L168S variant (also known as c.503T>C), located in coding exon 5 of the MRE11A gene, results from a T to C substitution at nucleotide position 503. The leucine at codon 168 is replaced by serine, an amino acid with dissimilar properties. This amino acid position is conserved. In addition, this alteration is predicted to be deleterious by in silico analysis. Based on the available evidence, the clinical significance of this alteration remains unclear.